The following is an entry in ClinVar:

NM_001754.5(RUNX1):c.434G>A (p.Arg145Lys)

Genes: RUNX1 (RUNX family transcription factor 1; minus strand), RUNX1-AS1 (RUNX1 antisense RNA 1; plus strand). Cytogenetic location: 21q22.12.
Variant type: single nucleotide variant.
Coding change: c.434G>A on transcript NM_001754.5 (MANE Select); coding-DNA position 434, G replaced by A.
Protein change: p.Arg145Lys; replaces arginine 145 with lysine.
Molecular consequence: missense variant.
Genome position (GRCh38, 1-based): chr21:34,880,631, C>T on the plus strand (G>A on the coding strand, the complement: RUNX1 is on the minus strand). VCF-style: chr21-34880631-C-T. GRCh37 (hg19) VCF-style: chr21-36252928-C-T.
Other names: NM_001754.5(RUNX1):c.434G>A; p.Arg145Lys; c.353G>A, p.Arg118Lys (NM_001001890.3, NM_001122607.2); short protein forms R145K, R118K.
Identifiers: ClinVar variation 4158166 (VCV004158166.2).

ClinVar aggregate classification (germline): Uncertain significance. Review status: reviewed by expert panel (3 of 4 stars). 2 submissions from 2 submitters: Uncertain significance (1). 1 of the submissions does not count toward it. Last evaluated 2026-05-27.

Conditions:
Hereditary thrombocytopenia and hematologic cancer predisposition syndrome. Identifiers: Orphanet 71290, MedGen CN281654, MONDO:0011071.
Inborn genetic diseases. Identifiers: MedGen C0950123, MeSH D030342.

Submissions (2):

ClinGen Myeloid Malignancy Variant Curation Expert Panel
Classification: Uncertain significance for Hereditary thrombocytopenia and hematologic cancer predisposition syndrome. Last evaluated: 2026-05-27. Review status: reviewed by expert panel. Criteria: ClinGen MyeloMalig ACMG Specifications V3.1. Collection method: curation. Allele origin: germline. Inheritance: Autosomal dominant inheritance.
Comment: NM_001754.5(RUNX1):c.434G>A (p.Arg145Lys) is a missense variant which affects a residue (R145) within the RHD (PM1_Supporting). This missense variant is completely absent from all population databases with at least 20x coverage for RUNX1 (PM2_Supporting) and has a REVEL score ≥0.88 (0.918)(PP3). In summary, the clinical significance of this variant is uncertain. ACMG/AMP criteria applied, as specified by the Myeloid Malignancy Variant Curation Expert Panel for RUNX1: PM1_Supporting, PP3, PM2_Supporting.

Ambry Genetics
Classification: Uncertain significance for Inborn genetic diseases. Last evaluated: 2025-07-28. Review status: criteria provided, single submitter. Criteria: Ambry Variant Classification Scheme 2023. Collection method: clinical testing. Allele origin: germline. Not counted in ClinVar's aggregate classification.
Comment: The p.R145K variant (also known as c.434G>A), located in coding exon 4 of the RUNX1 gene, results from a G to A substitution at nucleotide position 434. The arginine at codon 145 is replaced by lysine, an amino acid with highly similar properties. This amino acid position is highly conserved in available vertebrate species. In addition, this alteration is predicted to be deleterious by in silico analysis. Based on the available evidence, the clinical significance of this variant remains unclear.